The following is an entry in ClinVar:

NM_005204.4(MAP3K8):c.160A>G (p.Asn54Asp)

Gene: MAP3K8 (mitogen-activated protein kinase kinase kinase 8; plus strand). Cytogenetic location: 10p11.23.
Variant type: single nucleotide variant.
Coding change: c.160A>G on transcript NM_005204.4 (MANE Select); coding-DNA position 160, A replaced by G.
Protein change: p.Asn54Asp; replaces asparagine 54 with aspartic acid.
Molecular consequence: missense variant.
Genome position (GRCh38, 1-based): chr10:30,439,098, A>G. VCF-style: chr10-30439098-A-G. GRCh37 (hg19) VCF-style: chr10-30728027-A-G.
Other names: c.160A>G, p.Asn54Asp (NM_001244134.1, NM_001320961.2); short protein forms N54D.
Identifiers: ClinVar variation 2234547 (VCV002234547.3), dbSNP rs1036237977, ClinGen allele CA205307174.

ClinVar aggregate classification (germline): Uncertain significance. Review status: criteria provided, multiple submitters, no conflicts (2 of 4 stars). 2 submissions from 2 submitters: Uncertain significance (2). Last evaluated 2025-04-17.

Allele frequency attached by ClinVar (database versions not stated): gnomAD exomes 0.00001; gnomAD 0.00004; TOPMed 0.00005.
gnomAD v4.1: 9 of 1,614,132 alleles (0.00056%); highest among the groups gnomAD compares: African/African-American, 0.012%; no homozygotes.

Submissions (2):

Labcorp Genetics (formerly Invitae), Labcorp
Classification: Uncertain significance. Last evaluated: 2025-04-17. Review status: criteria provided, single submitter. Criteria: Invitae Variant Classification Sherloc (09022015). Collection method: clinical testing. Allele origin: germline.
Comment: This sequence change replaces asparagine, which is neutral and polar, with aspartic acid, which is acidic and polar, at codon 54 of the MAP3K8 protein (p.Asn54Asp). This variant is present in population databases (no rsID available, gnomAD 0.01%). This variant has not been reported in the literature in individuals affected with MAP3K8-related conditions. ClinVar contains an entry for this variant (Variation ID: 2234547). An algorithm developed to predict the effect of missense changes on protein structure and function (PolyPhen-2) suggests that this variant is likely to be tolerated. In summary, the available evidence is currently insufficient to determine the role of this variant in disease. Therefore, it has been classified as a Variant of Uncertain Significance.

Ambry Genetics
Classification: Uncertain significance. Last evaluated: 2021-07-06. Review status: criteria provided, single submitter. Criteria: Ambry Variant Classification Scheme 2023. Collection method: clinical testing. Allele origin: germline.